The following is an entry in ClinVar:

NM_001371395.1(USP53):c.2175-10T>C

Gene: USP53 (ubiquitin specific peptidase 53; plus strand). Cytogenetic location: 4q26.
Variant type: single nucleotide variant.
Coding change: c.2175-10T>C on transcript NM_001371395.1 (MANE Select); 10 bases into the intron before coding-DNA position 2175, T replaced by C.
Molecular consequence: intron variant.
Genome position (GRCh38, 1-based): chr4:119,273,622, T>C. VCF-style: chr4-119273622-T-C. GRCh37 (hg19) VCF-style: chr4-120194777-T-C.
Other names: c.2175-10T>C (NM_019050.3, NM_001389658.1, NM_001371398.1 and 4 more transcripts); c.2022-10T>C (NM_001389661.1, NM_001371396.1); c.1827-10T>C (NM_001389663.1, NM_001389664.1, NM_001389662.1 and 1 more transcripts); c.1674-10T>C (NM_001389667.1, NM_001389665.1); c.2025-10T>C (NM_001389660.1).
Identifiers: ClinVar variation 4747829 (VCV004747829.2).

ClinVar aggregate classification (germline): Likely benign. Review status: criteria provided, multiple submitters, no conflicts (2 of 4 stars). 2 submissions from 2 submitters: Likely benign (2). Last evaluated 2026-04-14.

Conditions:
USP53-related disorder. Also called: USP53-related condition.

gnomAD v4.1: 34 of 1,611,008 alleles (0.0021%); highest among the groups gnomAD compares: African/African-American, 0.044%; no homozygotes.

Submissions (2):

PreventionGenetics, part of Exact Sciences
Classification: Likely benign for USP53-related condition. Last evaluated: 2026-04-14. Review status: criteria provided, single submitter. Criteria: ACMG Guidelines, 2015. Collection method: clinical testing. Allele origin: germline.
Comment: This variant is classified as likely benign based on ACMG/AMP sequence variant interpretation guidelines (Richards et al. 2015 PMID: 25741868, with internal and published modifications).

Labcorp Genetics (formerly Invitae), Labcorp
Classification: Likely benign. Last evaluated: 2025-02-10. Review status: criteria provided, single submitter. Criteria: Invitae Variant Classification Sherloc (09022015). Collection method: clinical testing. Allele origin: germline.